The following is an entry in ClinVar:

NM_024675.4(PALB2):c.-7C>T

Gene: PALB2 (partner and localizer of BRCA2; minus strand). Cytogenetic location: 16p12.2.
Variant type: single nucleotide variant.
Coding change: c.-7C>T on transcript NM_024675.4 (MANE Select); 7 bases upstream of the start codon, C replaced by T.
Molecular consequence: 5 prime UTR variant.
Genome position (GRCh38, 1-based): chr16:23,641,164, G>A on the plus strand (C>T on the coding strand, the complement: PALB2 is on the minus strand). VCF-style: chr16-23641164-G-A. GRCh37 (hg19) VCF-style: chr16-23652485-G-A.
Other names: c.-7C>T (NM_001407296.1, NM_001407297.1, NM_001407298.1 and 5 more transcripts); c.-1750C>T (NM_001407304.1, NM_001407310.1); c.-1026C>T (NM_001407305.1, NM_001407307.1, NM_001407309.1 and 1 more transcripts); c.-875C>T (NM_001407306.1, NM_001407308.1); c.-159C>T (NM_001407312.1, NM_001407313.1).
Identifiers: ClinVar variation 2682038 (VCV002682038.1), dbSNP rs377315640, ClinGen allele CA279505421.

ClinVar aggregate classification (germline): Uncertain significance (1 of 4 stars; one submission).

Allele frequency attached by ClinVar (database versions not stated): TOPMed below 0.00001; ESP Exome Variant Server 0.00008.

Submission:

Quest Diagnostics Nichols Institute San Juan Capistrano
Classification: Uncertain significance. Last evaluated: 2023-03-20. Review status: criteria provided, single submitter. Criteria: Quest Diagnostics criteria. Collection method: clinical testing. Allele origin: unknown.
Comment: This 5'-UTR variant has not been reported in the published literature. It also has not been reported in large, multi-ethnic general populations. Based on the available information, we are unable to determine the clinical significance of this variant.